The following is an entry in ClinVar:

ClinVar aggregate classification (germline): Likely pathogenic. Review status: criteria provided, multiple submitters, no conflicts (2 of 4 stars). 2 submissions from 2 submitters: Likely pathogenic (2). Last evaluated 2025-05-22.

Conditions:
Familial thoracic aortic aneurysm and aortic dissection (TAAD). Also called: Thoracic aortic aneurysms and dissections. Identifiers: Orphanet 91387, MedGen C4707243, MONDO:0019625.
Marfan syndrome (MFS). Also called: FBN1-Related Marfan Syndrome; Marfan syndrome, classic; MARFAN SYNDROME, TYPE I; Marfan syndrome type 1; Marfan's syndrome. Identifiers: Orphanet 284963, Orphanet 558, MedGen C0024796, MONDO:0007947, OMIM 154700.

Submissions (2):

Ambry Genetics
Classification: Likely pathogenic for Familial thoracic aortic aneurysm and aortic dissection. Last evaluated: 2025-05-22. Review status: criteria provided, single submitter. Criteria: Ambry Variant Classification Scheme 2023. Collection method: clinical testing. Allele origin: germline.
Comment: The c.247+2dupT intronic variant is located 2 nucleotide(s) after coding exon 2 in the FBN1 gene. This variant results from a duplication of 1 nucleotide at position c.247+2. This variant does not change the sequence of the canonical donor at this splice site. This variant was reported in individual(s) with features consistent with Marfan syndrome; in at least one individual, it was determined to be de novo or the result of germline mosaicism (Stheneur C et al. Eur J Hum Genet, 2009 Sep;17:1121-8; Ambry internal data; external communication). This nucleotide position is highly conserved in available vertebrate species. In silico splice site analysis predicts that this alteration will weaken the native splice donor site and may result in the creation or strengthening of a novel splice donor site. This variant is considered to be rare based on population cohorts in the Genome Aggregation Database (gnomAD). Based on the majority of available evidence to date, this variant is likely to be pathogenic.

Laboratory for Molecular Medicine, Mass General Brigham Personalized Medicine
Classification: Likely pathogenic for Marfan syndrome. Last evaluated: 2020-10-08. Review status: criteria provided, single submitter. Criteria: LMM Criteria. Collection method: clinical testing. Allele origin: germline. Inheritance: Autosomal dominant inheritance. Observed: 2 variant alleles.
Comment: The c.247+2dup variant in FBN1 has been previously reported in two individuals with clinical features of Marfan syndrome and segregated with disease in one affected relative (Stheneur 2009 PMID: 19293843, LMM unpublished data). In one of these individuals, the variant was reportedly a de novo occurrence Stheneur 2009 PMID: PMID: 19293843). This variant was absent from large population databases. This variant is a duplication of the thymine (T) at nucleotide position c.247+2 and is predicted to disrupt the canonical splice site (+/- 1,2), leading to an abnormal or absent protein. Loss of function of the FBN1 gene is an established disease mechanism in autosomal dominant Marfan syndrome. In summary, although additional studies are required to fully establish its clinical significance, this variant meets criteria to be classified as likely pathogenic for autosomal dominant Marfan syndrome. ACMG/AMP Criteria applied: PVS1_Strong, PM2_Supporting, PM6, PS4_Supporting.

Literature cited by the submitters: PubMed 19293843 (cited by Ambry Genetics and Laboratory for Molecular Medicine, Mass General Brigham Personalized Medicine); PubMed 28941062 (cited by Laboratory for Molecular Medicine, Mass General Brigham Personalized Medicine).

NM_000138.5(FBN1):c.247+2dup

Gene: FBN1 (fibrillin 1; minus strand). Cytogenetic location: 15q21.1.
Variant type: Duplication.
Coding change: c.247+2dup on transcript NM_000138.5 (MANE Select); the canonical splice donor site of the intron after coding-DNA position 247, one base duplicated (T; older notation c.247+2dupT).
Molecular consequence: splice donor variant (on NM_000138.4).
Genome position (GRCh38, 1-based): chr15:48,613,008, A duplicated on the plus strand (T on the coding strand, the reverse complement: FBN1 is on the minus strand). VCF-style (leftmost placement, unchanged base first): chr15-48613007-T-TA. GRCh37 (hg19) VCF-style: chr15-48905204-T-TA.
Other names: c.247+2dupT (NM_000138.4); c.247+2_247+3insT (NM_000138.4).
Identifiers: ClinVar variation 42308 (VCV000042308.7), dbSNP rs397515772, ClinGen allele CA013108.